The following is an entry in ClinVar:

NM_007129.5(ZIC2):c.326C>T (p.Ser109Phe)

Gene: ZIC2 (Zic family zinc finger 2; plus strand). Cytogenetic location: 13q32.3.
Variant type: single nucleotide variant.
Coding change: c.326C>T on transcript NM_007129.5 (MANE Select); coding-DNA position 326, C replaced by T.
Protein change: p.Ser109Phe; replaces serine 109 with phenylalanine.
Molecular consequence: missense variant.
Genome position (GRCh38, 1-based): chr13:99,982,390, C>T. VCF-style: chr13-99982390-C-T. GRCh37 (hg19) VCF-style: chr13-100634644-C-T.
Other names: short protein forms S109F.
Identifiers: ClinVar variation 4975604 (VCV004975604.1).
Genomic context (GRCh38, chr13:99,982,390, plus strand): 5'-CTGCGGCTGCCGCTGCGGCCGCAGCGCTCGGGCCCCACGCCGCGCACGTTGGCTCCTACT[C>T]TGGGCCGCCCTTCAACTCCACCCGGGACTTCCTGTTCCGCAGCCGCGGCTTCGGGGACTC-3'
Protein context (NP_009060.2, residues 99-119): GPHAAHVGSY[Ser109Phe]GPPFNSTRDF

ClinVar aggregate classification (germline): Uncertain significance (1 of 4 stars; one submission).

Submission:

GeneDx
Classification: Uncertain significance. Last evaluated: 2026-01-28. Review status: criteria provided, single submitter. Criteria: GeneDx Variant Classification Process June 2021. Collection method: clinical testing. Allele origin: germline.
Comment: Not observed at significant frequency in large population cohorts (gnomAD); In silico analysis suggests that this missense variant does not alter protein structure/function; Has not been previously published as pathogenic or benign to our knowledge